The following is an entry in ClinVar:

NM_025132.4(WDR19):c.3374C>T (p.Ala1125Val)

Gene: WDR19 (WD repeat domain 19; plus strand). Cytogenetic location: 4p14.
Variant type: single nucleotide variant.
Coding change: c.3374C>T on transcript NM_025132.4 (MANE Select); coding-DNA position 3374, C replaced by T.
Protein change: p.Ala1125Val; replaces alanine 1125 with valine.
Molecular consequence: missense variant.
Genome position (GRCh38, 1-based): chr4:39,269,991, C>T. VCF-style: chr4-39269991-C-T. GRCh37 (hg19) VCF-style: chr4-39271611-C-T.
Other names: c.2894C>T, p.Ala965Val (NM_001317924.2); short protein forms A1125V, A965V.
Identifiers: ClinVar variation 1060969 (VCV001060969.8), dbSNP rs1735186262, ClinGen allele CA356646112.

ClinVar aggregate classification (germline): Uncertain significance (1 of 4 stars; one submission).

Conditions:
Asphyxiating thoracic dystrophy 5 (SRTD5). Also called: SHORT-RIB THORACIC DYSPLASIA 5 WITH OR WITHOUT POLYDACTYLY; SHORT-RIB THORACIC DYSPLASIA 5 WITHOUT POLYDACTYLY. Identifiers: Orphanet 474, MedGen C3280598, MONDO:0013717, OMIM 614376.
Senior-Loken syndrome 8 (SLSN8). Identifiers: Orphanet 3156, MedGen C4225376, MONDO:0014579, OMIM 616307.

Allele frequency attached by ClinVar (database versions not stated): gnomAD exomes below 0.00001.
gnomAD v4.1: 2 of 1,613,744 alleles (0.00012%); highest among the groups gnomAD compares: Non-Finnish European, 0.00017%; no homozygotes.

Submission:

Labcorp Genetics (formerly Invitae), Labcorp
Classification: Uncertain significance for Senior-Loken syndrome 8; Asphyxiating thoracic dystrophy 5. Last evaluated: 2022-03-19. Review status: criteria provided, single submitter. Criteria: Invitae Variant Classification Sherloc (09022015). Collection method: clinical testing. Allele origin: germline.
Comment: This sequence change replaces alanine, which is neutral and non-polar, with valine, which is neutral and non-polar, at codon 1125 of the WDR19 protein (p.Ala1125Val). This variant is not present in population databases (gnomAD no frequency). This missense change has been observed in individuals with inherited retinal dystrophy (PMID: 32037395; Invitae). ClinVar contains an entry for this variant (Variation ID: 1060969). Algorithms developed to predict the effect of missense changes on protein structure and function (SIFT, PolyPhen-2, Align-GVGD) all suggest that this variant is likely to be disruptive. In summary, the available evidence is currently insufficient to determine the role of this variant in disease. Therefore, it has been classified as a Variant of Uncertain Significance.

Literature cited by the submitters: PubMed 32037395.